The following is an entry in ClinVar:

NM_007272.3(CTRC):c.339G>T (p.Trp113Cys)

Gene: CTRC (chymotrypsin C; plus strand). Cytogenetic location: 1p36.21.
Variant type: single nucleotide variant.
Coding change: c.339G>T on transcript NM_007272.3 (MANE Select); coding-DNA position 339, G replaced by T.
Protein change: p.Trp113Cys; replaces tryptophan 113 with cysteine.
Molecular consequence: missense variant.
Genome position (GRCh38, 1-based): chr1:15,442,555, G>T. VCF-style: chr1-15442555-G-T. GRCh37 (hg19) VCF-style: chr1-15769051-G-T.
Other names: short protein forms W113C.
Identifiers: ClinVar variation 5035057 (VCV005035057.1).

ClinVar aggregate classification (germline): Uncertain significance (1 of 4 stars; one submission).

Conditions:
Hereditary pancreatitis (PCTT). Also called: Hereditary chronic pancreatitis; PRSS1-Related Hereditary Pancreatitis. Identifiers: Orphanet 676, MedGen C0238339, MONDO:0008185, OMIM 167800.

Submission:

Ambry Genetics
Classification: Uncertain significance for Hereditary pancreatitis. Last evaluated: 2026-08-16. Review status: criteria provided, single submitter. Criteria: Ambry Variant Classification Scheme 2023. Collection method: clinical testing. Allele origin: germline.
Comment: The p.W113C variant (also known as c.339G>T), located in coding exon 4 of the CTRC gene, results from a G to T substitution at nucleotide position 339. The tryptophan at codon 113 is replaced by cysteine, an amino acid with highly dissimilar properties. This amino acid position is conserved. In addition, this alteration is predicted to be tolerated by in silico analysis. Based on the available evidence, the clinical significance of this variant remains unclear.